The following is an entry in ClinVar:

NM_001253852.3(AP4B1):c.1439T>C (p.Leu480Ser)

Genes: AP4B1 (adaptor related protein complex 4 subunit beta 1; minus strand), AP4B1-AS1 (AP4B1 antisense RNA 1; plus strand). Cytogenetic location: 1p13.2.
Variant type: single nucleotide variant.
Coding change: c.1439T>C on transcript NM_001253852.3 (MANE Select); coding-DNA position 1439, T replaced by C.
Protein change: p.Leu480Ser; replaces leucine 480 with serine.
Molecular consequence: missense variant.
Genome position (GRCh38, 1-based): chr1:113,896,329, A>G on the plus strand (T>C on the coding strand, the complement: AP4B1 is on the minus strand). VCF-style: chr1-113896329-A-G. GRCh37 (hg19) VCF-style: chr1-114438951-A-G.
Other names: c.1142T>C, p.Leu381Ser (NM_001253853.3); c.935T>C, p.Leu312Ser (NM_001308312.2); c.1439T>C, p.Leu480Ser (NM_006594.5); c.1439T>C (NM_006594.4); short protein forms L480S, L312S, L381S.
Identifiers: ClinVar variation 157718 (VCV000157718.29), dbSNP rs1217401, ClinGen allele CA171108.
Genomic context (GRCh38, chr1:113,896,329, plus strand): 5'-TACAACAAACGTCCTAGCATGTCCTGGCACTCAGCAGGTCGGGAGAGGAAAAGGCGCAGC[A>G]AAGCAGTGAGCAGCTCCATCTTAACAGCTGGAAATGTTTCCGACTTCACATTCTCAACAA-3'
Protein context (NP_001240781.1, residues 470-490): PAVKMELLTA[Leu480Ser]LRLFLSRPAE

ClinVar aggregate classification (germline): Benign. Review status: criteria provided, multiple submitters, no conflicts (2 of 4 stars). 10 submissions from 10 submitters: Benign (9). 1 of the submissions does not count toward it. Last evaluated 2026-02-03.

Conditions:
Inborn genetic diseases. Identifiers: MedGen C0950123, MeSH D030342.
Hereditary spastic paraplegia. Also called: Familial spastic paraparesis. Identifiers: Orphanet 685, MedGen C0037773, MONDO:0019064. Disease mechanism: loss of function.
Hereditary spastic paraplegia 47. Also called: adaptor protein 4 (AP-4) deficiency syndrome; Spastic paraplegia 47, autosomal recessive; CEREBRAL PALSY, SPASTIC QUADRIPLEGIC, 5. Identifiers: Orphanet 280763, MedGen C3279738, MONDO:0013551, OMIM 614066.

Allele frequency attached by ClinVar (database versions not stated): gnomAD exomes 0.30325 and 0.31480; ExAC 0.31864; 1000 Genomes Project 0.37700; 1000 Genomes Project 30x 0.38851; gnomAD 0.40844 and 0.42071; TOPMed 0.41469; ESP Exome Variant Server 0.43795.
gnomAD v4.1: 523,144 of 1,613,954 alleles (32%); highest among the groups gnomAD compares: African/African-American, 71%; 93,103 homozygotes.

Submissions (10):

Labcorp Genetics (formerly Invitae), Labcorp
Classification: Benign for Hereditary spastic paraplegia 47. Last evaluated: 2026-02-03. Review status: criteria provided, single submitter. Criteria: Invitae Variant Classification Sherloc (09022015). Collection method: clinical testing. Allele origin: germline.

Blueprint Genetics
Classification: Benign. Last evaluated: 2024-11-26. Review status: criteria provided, single submitter. Criteria: ACMG Guidelines, 2015. Collection method: clinical testing. Allele origin: germline.

Genome Diagnostics Laboratory, The Hospital for Sick Children
Classification: Benign for Hereditary spastic paraplegia. Last evaluated: 2022-01-20. Review status: criteria provided, single submitter. Criteria: ACMG Guidelines, 2015. Collection method: clinical testing. Allele origin: germline. Affected: yes.

Genome-Nilou Lab
Classification: Benign for Hereditary spastic paraplegia 47. Last evaluated: 2021-07-14. Review status: criteria provided, single submitter. Criteria: ACMG Guidelines, 2015. Collection method: clinical testing. Allele origin: germline. Affected: no.

Mendelics
Classification: Benign for Hereditary spastic paraplegia 47. Last evaluated: 2019-05-28. Review status: criteria provided, single submitter. Criteria: Mendelics Assertion Criteria 2017. Collection method: clinical testing. Allele origin: unknown.

Mayo Clinic Laboratories, Mayo Clinic
Classification: Benign. Last evaluated: 2017-07-21. Review status: criteria provided, single submitter. Criteria: ACMG Guidelines, 2015. Collection method: clinical testing. Allele origin: germline. Observed: 465 variant alleles.

Ambry Genetics
Classification: Benign for Inborn genetic diseases. Last evaluated: 2016-03-13. Review status: criteria provided, single submitter. Criteria: Ambry Variant Classification Scheme 2023. Collection method: clinical testing. Allele origin: germline.

GeneDx
Classification: Benign. Last evaluated: 2016-02-01. Review status: criteria provided, single submitter. Criteria: GeneDx Variant Classification (06012015). Collection method: clinical testing. Allele origin: germline. Affected: yes.
Comment: This variant is considered likely benign or benign based on one or more of the following criteria: it is a conservative change, it occurs at a poorly conserved position in the protein, it is predicted to be benign by multiple in silico algorithms, and/or has population frequency not consistent with disease.

Breakthrough Genomics
Classification: Benign. Review status: criteria provided, single submitter. Criteria: ACMG Guidelines, 2015. Collection method: not provided. Allele origin: germline. Inheritance: Autosomal recessive inheritance. Affected: yes.

Genetic Services Laboratory, University of Chicago
Classification: Likely benign. Review status: no assertion criteria provided. Collection method: clinical testing. Allele origin: germline. Inheritance: Autosomal recessive inheritance. Not counted in ClinVar's aggregate classification.
Comment: Likely benign based on allele frequency in 1000 Genomes Project or ESP global frequency and its presence in a patient with a rare or unrelated disease phenotype. NOT Sanger confirmed